The following is an entry in ClinVar:

NM_000550.3(TYRP1):c.436C>T (p.Arg146Trp)

Gene: TYRP1 (tyrosinase related protein 1; plus strand). Cytogenetic location: 9p23.
Variant type: single nucleotide variant.
Coding change: c.436C>T on transcript NM_000550.3 (MANE Select); coding-DNA position 436, C replaced by T.
Protein change: p.Arg146Trp; replaces arginine 146 with tryptophan.
Molecular consequence: missense variant.
Genome position (GRCh38, 1-based): chr9:12,695,565, C>T. VCF-style: chr9-12695565-C-T. GRCh37 (hg19) VCF-style: chr9-12695565-C-T.
Other names: short protein forms R146W.
Identifiers: ClinVar variation 915233 (VCV000915233.11), dbSNP rs201293896, ClinGen allele CA4985228.

ClinVar aggregate classification (germline): Uncertain significance. Review status: criteria provided, multiple submitters, no conflicts (2 of 4 stars). 4 submissions from 4 submitters: Uncertain significance (2). 2 of the submissions do not count toward it. Last evaluated 2022-10-17.

Conditions:
Oculocutaneous albinism type 3 (OCA3). Also called: Albinism, oculocutaneous, type III; RUFOUS OCULOCUTANEOUS ALBINISM; ALBINISM III; XANTHISM; Rufous OCA; Rufous albinism. Identifiers: Orphanet 79433, MedGen C0342683, MONDO:0008747, OMIM 203290.

Allele frequency attached by ClinVar (database versions not stated): gnomAD 0.00015; 1000 Genomes Project 30x 0.00016; TOPMed 0.00018; 1000 Genomes Project 0.00020.
gnomAD v4.1: 331 of 1,614,026 alleles (0.021%); highest among the groups gnomAD compares: Non-Finnish European, 0.026%; no homozygotes.

Submissions (4):

Labcorp Genetics (formerly Invitae), Labcorp
Classification: Uncertain significance. Last evaluated: 2022-10-17. Review status: criteria provided, single submitter. Criteria: Invitae Variant Classification Sherloc (09022015). Collection method: clinical testing. Allele origin: germline.
Comment: This sequence change replaces arginine, which is basic and polar, with tryptophan, which is neutral and slightly polar, at codon 146 of the TYRP1 protein (p.Arg146Trp). This variant is present in population databases (rs201293896, gnomAD 0.02%). This variant has not been reported in the literature in individuals affected with TYRP1-related conditions. ClinVar contains an entry for this variant (Variation ID: 915233). Advanced modeling of protein sequence and biophysical properties (such as structural, functional, and spatial information, amino acid conservation, physicochemical variation, residue mobility, and thermodynamic stability) performed at Invitae indicates that this missense variant is not expected to disrupt TYRP1 protein function. In summary, the available evidence is currently insufficient to determine the role of this variant in disease. Therefore, it has been classified as a Variant of Uncertain Significance.

Illumina Laboratory Services, Illumina
Classification: Uncertain significance for Oculocutaneous albinism type 3. Last evaluated: 2017-04-27. Review status: criteria provided, single submitter. Criteria: ICSL Variant Classification Criteria 13 December 2019. Collection method: clinical testing. Allele origin: germline.
Comment: This variant was observed as part of a predisposition screen in an ostensibly healthy population. A literature search was performed for the gene, cDNA change, and amino acid change (where applicable). Publications were found based on this search. However, the evidence from the literature, in combination with allele frequency data from public databases where available, was not sufficient to rule this variant in or out of causing disease. Therefore, this variant is classified as a variant of unknown significance.

Clinical Genetics DNA and cytogenetics Diagnostics Lab, Erasmus MC, Erasmus Medical Center
Classification: Uncertain significance. Review status: no assertion criteria provided. Collection method: clinical testing. Allele origin: germline. Affected: yes. Study: VKGL Data-share Consensus. Not counted in ClinVar's aggregate classification.

Clinical Genetics, Academic Medical Center
Classification: Uncertain significance. Review status: no assertion criteria provided. Collection method: clinical testing. Allele origin: germline. Affected: yes. Study: VKGL Data-share Consensus. Not counted in ClinVar's aggregate classification.

Literature cited by the submitters: PubMed 23862152 (cited by Illumina Laboratory Services, Illumina).